The following is an entry in ClinVar:

NM_021930.6(RINT1):c.1847G>A (p.Arg616Lys)

Gene: RINT1 (RAD50 interactor 1; plus strand). Cytogenetic location: 7q22.3.
Variant type: single nucleotide variant.
Coding change: c.1847G>A on transcript NM_021930.6 (MANE Select); coding-DNA position 1847, G replaced by A.
Protein change: p.Arg616Lys; replaces arginine 616 with lysine.
Molecular consequence: missense variant. On other transcripts: non-coding transcript variant (1).
Genome position (GRCh38, 1-based): chr7:105,563,908, G>A. VCF-style: chr7-105563908-G-A. GRCh37 (hg19) VCF-style: chr7-105204355-G-A.
Other names: c.1613G>A, p.Arg538Lys (NM_001346599.2); c.824G>A, p.Arg275Lys (NM_001346600.2, NM_001346603.2); c.923G>A, p.Arg308Lys (NM_001346601.2); short protein forms R275K, R308K, R538K, R616K.
Identifiers: ClinVar variation 1008852 (VCV001008852.12), dbSNP rs1179738688, ClinGen allele CA368814171.

ClinVar aggregate classification (germline): Uncertain significance. Review status: criteria provided, multiple submitters, no conflicts (2 of 4 stars). 2 submissions from 2 submitters: Uncertain significance (2). Last evaluated 2025-09-28.

Allele frequency attached by ClinVar (database versions not stated): gnomAD exomes 0.00001; TOPMed 0.00001; gnomAD 0.00002.

Submissions (2):

Ambry Genetics
Classification: Uncertain significance. Last evaluated: 2025-09-28. Review status: criteria provided, single submitter. Criteria: Ambry Variant Classification Scheme 2023. Collection method: clinical testing. Allele origin: germline.
Comment: The p.R616K variant (also known as c.1847G>A), located in coding exon 12 of the RINT1 gene, results from a G to A substitution at nucleotide position 1847. The arginine at codon 616 is replaced by lysine, an amino acid with highly similar properties. This amino acid position is well conserved in available vertebrate species. In addition, this alteration is predicted to be tolerated by in silico analysis. Since supporting evidence is limited at this time, the clinical significance of this alteration remains unclear.

Labcorp Genetics (formerly Invitae), Labcorp
Classification: Uncertain significance. Last evaluated: 2017-11-23. Review status: criteria provided, single submitter. Criteria: Invitae Variant Classification Sherloc (09022015). Collection method: clinical testing. Allele origin: germline.
Comment: In summary, the available evidence is currently insufficient to determine the role of this variant in disease. Therefore, it has been classified as a Variant of Uncertain Significance. Algorithms developed to predict the effect of missense changes on protein structure and function output the following: SIFT: "Tolerated"; PolyPhen-2: "Benign"; Align-GVGD: "Class C0". The lysine amino acid residue is found in multiple mammalian species, suggesting that this missense change does not adversely affect protein function. These predictions have not been confirmed by published functional studies and their clinical significance is uncertain. This variant has not been reported in the literature in individuals with RINT1-related disease. This variant is not present in population databases (ExAC no frequency). This sequence change replaces arginine with lysine at codon 616 of the RINT1 protein (p.Arg616Lys). The arginine residue is moderately conserved and there is a small physicochemical difference between arginine and lysine.